The following is an entry in ClinVar:

NM_001077653.2(TBX20):c.468CAA[1] (p.Asn157del)

Gene: TBX20 (T-box transcription factor 20; minus strand). Cytogenetic location: 7p14.2.
Variant type: Microsatellite.
Coding change: c.468CAA[1] on transcript NM_001077653.2 (MANE Select); one copy of the 3-base unit CAA starting at c.468; the reference has two copies in a row; one copy, 3 bases deleted; also written c.471_473del.
Protein change: p.Asn157del; deletes asparagine 157.
Molecular consequence: inframe deletion.
Genome position (GRCh38, 1-based): chr7:35,248,749-35,248,751, TTG deleted on the plus strand (CAA on the coding strand, the reverse complement: TBX20 is on the minus strand); deleting any 3 consecutive bases within chr7:35,248,749-35,248,755 gives the same sequence; the position shown is the placement nearest the transcript's 3' end. VCF-style (leftmost placement, unchanged base first): chr7-35248748-CTTG-C. GRCh37 (hg19) VCF-style: chr7-35288360-CTTG-C.
Other names: c.468CAA[1], p.Asn157del (NM_001166220.1); c.471_473del (NM_001077653.2); c.471_473delCAA (NM_001077653.2); short protein forms N157del.
Identifiers: ClinVar variation 1306726 (VCV001306726.7), dbSNP rs2128715945, ClinGen allele CA2580615873.
Genomic context (GRCh38, chr7:35,248,748, plus strand): 5'-CGGCGGGTCGGCCTTGCCAGCCACCAGCCAGGAGGACCGGTGGTAGGCGTAGCGGTACCT[CTTG>C]TTGTCCACAGGGACGATGTCCATCAGGACTATGTACTTGGCCTCAGGATCCACCCCCGAA-3'

ClinVar aggregate classification (germline): Uncertain significance. Review status: criteria provided, multiple submitters, no conflicts (2 of 4 stars). 3 submissions from 3 submitters: Uncertain significance (3). Last evaluated 2026-01-14.

Conditions:
Cardiovascular phenotype. Identifiers: MedGen CN230736.

Submissions (3):

Labcorp Genetics (formerly Invitae), Labcorp
Classification: Uncertain significance. Last evaluated: 2026-01-14. Review status: criteria provided, single submitter. Criteria: Invitae Variant Classification Sherloc (09022015). Collection method: clinical testing. Allele origin: germline.
Comment: This variant, c.471_473del, results in the deletion of 1 amino acid(s) of the TBX20 protein (p.Asn157del), but otherwise preserves the integrity of the reading frame. This variant is not present in population databases (gnomAD no frequency). This variant has not been reported in the literature in individuals affected with TBX20-related conditions. ClinVar contains an entry for this variant (Variation ID: 1306726). Experimental studies and prediction algorithms are not available or were not evaluated, and the functional significance of this variant is currently unknown. In summary, the available evidence is currently insufficient to determine the role of this variant in disease. Therefore, it has been classified as a Variant of Uncertain Significance.

Ambry Genetics
Classification: Uncertain significance for Cardiovascular phenotype. Last evaluated: 2025-11-05. Review status: criteria provided, single submitter. Criteria: Ambry Variant Classification Scheme 2023. Collection method: clinical testing. Allele origin: germline.
Comment: The c.471_473delCAA variant (also known as p.N157del) is located in coding exon 3 of the TBX20 gene. This variant results from an in-frame CAA deletion at nucleotide positions 471 to 473. This results in the in-frame deletion of an asparagine at codon 157. This variant was reported in individual(s) with features consistent with left ventricular non-compaction (LVNC) (Grebur K et al. Front Cardiovasc Med, 2024 Feb;11:1337378). This amino acid position is highly conserved in available vertebrate species. In addition, this variant is predicted to be deleterious by in silico analysis (Choi Y et al. PLoS ONE. 2012; 7(10):e46688). Based on the available evidence, the clinical significance of this variant remains unclear.

GeneDx
Classification: Uncertain significance. Last evaluated: 2019-02-22. Review status: criteria provided, single submitter. Criteria: GeneDx Variant Classification Process June 2021. Collection method: clinical testing. Allele origin: germline. Affected: yes.
Comment: Has not been previously published as pathogenic or benign to our knowledge; Not observed in large population cohorts (Lek et al., 2016); In silico analysis, which includes protein predictors and evolutionary conservation, supports a deleterious effect

Literature cited by the submitters: PubMed 38380180 (cited by Ambry Genetics).